The following is an entry in ClinVar:

NM_000218.3(KCNQ1):c.1583A>G (p.Lys528Arg)

Gene: KCNQ1 (potassium voltage-gated channel subfamily Q member 1; plus strand). Cytogenetic location: 11p15.5.
Variant type: single nucleotide variant.
Coding change: c.1583A>G on transcript NM_000218.3 (MANE Select); coding-DNA position 1583, A replaced by G.
Protein change: p.Lys528Arg; replaces lysine 528 with arginine.
Molecular consequence: missense variant.
Genome position (GRCh38, 1-based): chr11:2,768,912, A>G. VCF-style: chr11-2768912-A-G. GRCh37 (hg19) VCF-style: chr11-2790142-A-G.
Other names: c.1487A>G, p.Lys496Arg (NM_001406836.1); c.1313A>G, p.Lys438Arg (NM_001406837.1); c.1043A>G, p.Lys348Arg (NM_001406838.1); c.1202A>G, p.Lys401Arg (NM_181798.2); short protein forms K401R, K528R, K496R, K348R, K438R.
Identifiers: ClinVar variation 922455 (VCV000922455.7), dbSNP rs1846543781, ClinGen allele CA379139027.
Genomic context (GRCh38, chr11:2,768,912, plus strand): 5'-AACACCATCGGGCCACCATTAAGGTCATTCGACGCATGCAGTACTTTGTGGCCAAGAAGA[A>G]ATTCCAGGTAAGCCCTGTGCTGAGCCTTCCTGCCCTCAGCCTGCCCCTCGCAGCCTGATG-3'
Protein context (NP_000209.2, residues 518-538): RRMQYFVAKK[Lys528Arg]FQQARKPYDV

ClinVar aggregate classification (germline): Uncertain significance (1 of 4 stars; one submission).

Conditions:
Cardiac arrhythmia. Also called: Cardiac rhythm disease; Arrhythmia. Identifiers: MedGen C0003811, MONDO:0007263, HP:0011675.

Submission:

Color Diagnostics, LLC DBA Color Health
Classification: Uncertain significance for Cardiac arrhythmia. Last evaluated: 2024-08-29. Review status: criteria provided, single submitter. Criteria: ACMG Guidelines, 2015. Collection method: clinical testing. Allele origin: germline.
Comment: This missense variant replaces lysine with arginine at codon 528 of the KCNQ1 protein. Computational prediction is inconclusive regarding the impact of this variant on protein structure and function. To our knowledge, functional studies have not been reported for this variant. This variant has not been reported in individuals affected with KCNQ1-related disorders in the literature. This variant has not been identified in the general population by the Genome Aggregation Database (gnomAD). The available evidence is insufficient to determine the role of this variant in disease conclusively. Therefore, this variant is classified as a Variant of Uncertain Significance.